The following is an entry in ClinVar:

ClinVar aggregate classification (germline): Pathogenic. Review status: criteria provided, multiple submitters, no conflicts (2 of 4 stars). 2 submissions from 2 submitters: Pathogenic (2). Last evaluated 2022-02-16.

Conditions:
Polycystic kidney disease, adult type (PKD1). Also called: Polycystic Kidney Disease 1, Autosomal Dominant; Polycystic kidney disease 1; Polycystic kidney disease 1, severe; POLYCYSTIC KIDNEY DISEASE, ADULT, TYPE I; POLYCYSTIC KIDNEY DISEASE 1 WITH OR WITHOUT POLYCYSTIC LIVER DISEASE; Polycystic Kidney, Autosomal Dominant. Identifiers: MedGen C3149841, MONDO:0008263, OMIM 173900.

Submissions (2):

Fulgent Genetics
Classification: Pathogenic for Polycystic kidney disease, adult type. Last evaluated: 2022-02-16. Review status: criteria provided, single submitter. Criteria: ACMG Guidelines, 2015. Collection method: clinical testing. Allele origin: unknown.

Athena Diagnostics
Classification: Pathogenic. Last evaluated: 2019-09-16. Review status: criteria provided, single submitter. Criteria: Athena Diagnostics Criteria. Collection method: clinical testing. Allele origin: unknown.
Comment: The variant results in a shift of the reading frame, and is therefore predicted to result in the loss of a functional protein. Found in at least one patient with expected phenotype for this gene, and not found in general population data.

NM_001009944.3(PKD1):c.8309_8318delinsTGACGCTGACGGGCGGG (p.Asn2770fs)

Gene: PKD1 (polycystin 1, transient receptor potential channel interacting; minus strand). Cytogenetic location: 16p13.3.
Variant type: Indel.
Coding change: c.8309_8318delinsTGACGCTGACGGGCGGG on transcript NM_001009944.3 (MANE Select); coding-DNA positions 8309 to 8318, ACGAGGAGCC replaced by TGACGCTGACGGGCGGG.
Protein change: p.Asn2770fs; shifts the reading frame from asparagine 2770.
Molecular consequence: frameshift variant.
Genome position (GRCh38, 1-based): chr16:2,103,739-2,103,748, GGCTCCTCGT replaced by CCCGCCCGTCAGCGTCA on the plus strand (ACGAGGAGCC replaced by TGACGCTGACGGGCGGG on the coding strand, the reverse complement: PKD1 is on the minus strand). VCF-style: chr16-2103739-GGCTCCTCGT-CCCGCCCGTCAGCGTCA. GRCh37 (hg19) VCF-style: chr16-2153740-GGCTCCTCGT-CCCGCCCGTCAGCGTCA.
Other names: c.8309_8318delinsTGACGCTGACGGGCGGG, p.Asn2770fs (NM_000296.4); short protein forms N2770fs.
Identifiers: ClinVar variation 994674 (VCV000994674.2), dbSNP rs2092202856, ClinGen allele CA1139664377.
Genomic context (GRCh38, chr16:2,103,739, plus strand): 5'-AGGCTCCGCGGGTCCGAGCGCTTGCCCTGGGCCACGATCTCCTCGCCCGCCAGCGTCAGG[GGCTCCTCGT>CCCGCCCGTCAGCGTCA]TGAGCACGCGGGAGCGCATGAGGATGCGCATGAGGGCAGAGGTCAGGTTGTAGGCCTGGG-3'